The following is an entry in ClinVar:

NM_001134363.3(RBM20):c.3097G>A (p.Glu1033Lys)

Gene: RBM20 (RNA binding motif protein 20; plus strand). Cytogenetic location: 10q25.2.
Variant type: single nucleotide variant.
Coding change: c.3097G>A on transcript NM_001134363.3 (MANE Select); coding-DNA position 3097, G replaced by A.
Protein change: p.Glu1033Lys; replaces glutamic acid 1033 with lysine.
Molecular consequence: missense variant.
Genome position (GRCh38, 1-based): chr10:110,821,716, G>A. VCF-style: chr10-110821716-G-A. GRCh37 (hg19) VCF-style: chr10-112581474-G-A.
Other names: c.3097G>A (NM_001134363.1); short protein forms E1033K.
Identifiers: ClinVar variation 847944 (VCV000847944.10), dbSNP rs1564664608, ClinGen allele CA378380801.

ClinVar aggregate classification (germline): Uncertain significance. Review status: criteria provided, multiple submitters, no conflicts (2 of 4 stars). 2 submissions from 2 submitters: Uncertain significance (2). Last evaluated 2025-04-08.

Conditions:
Dilated cardiomyopathy 1DD (CMD1DD). Identifiers: Orphanet 154, MedGen C2750995, MONDO:0013168, OMIM 613172.

Allele frequency attached by ClinVar (database versions not stated): gnomAD exomes 0.00001.
gnomAD v4.1: 1 of 1,551,756 alleles (0.000064%); highest among the groups gnomAD compares: Non-Finnish European, 0.000087%; no homozygotes.

Submissions (2):

GeneDx
Classification: Uncertain significance. Last evaluated: 2025-04-08. Review status: criteria provided, single submitter. Criteria: GeneDx Variant Classification Process June 2021. Collection method: clinical testing. Allele origin: germline. Affected: yes.
Comment: Not observed at significant frequency in large population cohorts (gnomAD); In silico analysis indicates that this missense variant does not alter protein structure/function; Has not been previously published as pathogenic or benign to our knowledge

Labcorp Genetics (formerly Invitae), Labcorp
Classification: Uncertain significance for Dilated cardiomyopathy 1DD. Last evaluated: 2019-12-11. Review status: criteria provided, single submitter. Criteria: Invitae Variant Classification Sherloc (09022015). Collection method: clinical testing. Allele origin: germline.
Comment: This sequence change replaces glutamic acid with lysine at codon 1033 of the RBM20 protein (p.Glu1033Lys). The glutamic acid residue is highly conserved and there is a small physicochemical difference between glutamic acid and lysine. In summary, the available evidence is currently insufficient to determine the role of this variant in disease. Therefore, it has been classified as a Variant of Uncertain Significance. Algorithms developed to predict the effect of missense changes on protein structure and function are either unavailable or do not agree on the potential impact of this missense change (SIFT: "Deleterious"; PolyPhen-2: "Benign"; Align-GVGD: "Class C0"). This variant has not been reported in the literature in individuals with RBM20-related conditions. This variant is not present in population databases (ExAC no frequency).